The following is an entry in ClinVar:

NM_001145860.2(POP1):c.2479C>T (p.Arg827Trp)

Gene: POP1 (POP1 homolog, ribonuclease P/MRP subunit; plus strand). Cytogenetic location: 8q22.2.
Variant type: single nucleotide variant.
Coding change: c.2479C>T on transcript NM_001145860.2 (MANE Select); coding-DNA position 2479, C replaced by T.
Protein change: p.Arg827Trp; replaces arginine 827 with tryptophan.
Molecular consequence: missense variant.
Genome position (GRCh38, 1-based): chr8:98,157,675, C>T. VCF-style: chr8-98157675-C-T. GRCh37 (hg19) VCF-style: chr8-99169903-C-T.
Other names: c.2479C>T, p.Arg827Trp (NM_001145861.2, NM_015029.3); c.2479C>T (NM_015029.2); short protein forms R827W.
Identifiers: ClinVar variation 2176955 (VCV002176955.3), dbSNP rs138030882, ClinGen allele CA4820855.

ClinVar aggregate classification (germline): Uncertain significance. Review status: criteria provided, multiple submitters, no conflicts (2 of 4 stars). 2 submissions from 2 submitters: Uncertain significance (2). Last evaluated 2024-01-16.

Conditions:
Inborn genetic diseases. Identifiers: MedGen C0950123, MeSH D030342.

Allele frequency attached by ClinVar (database versions not stated): gnomAD exomes 0.00002; ExAC 0.00004; gnomAD 0.00004; TOPMed 0.00006; ESP Exome Variant Server 0.00015.
gnomAD v4.1: 41 of 1,613,992 alleles (0.0025%); highest among the groups gnomAD compares: Admixed American, 0.02%; no homozygotes.

Submissions (2):

Ambry Genetics
Classification: Uncertain significance for Inborn genetic diseases. Last evaluated: 2024-01-16. Review status: criteria provided, single submitter. Criteria: Ambry Variant Classification Scheme 2023. Collection method: clinical testing. Allele origin: germline.

Labcorp Genetics (formerly Invitae), Labcorp
Classification: Uncertain significance. Last evaluated: 2022-04-19. Review status: criteria provided, single submitter. Criteria: Invitae Variant Classification Sherloc (09022015). Collection method: clinical testing. Allele origin: germline.
Comment: This sequence change replaces arginine, which is basic and polar, with tryptophan, which is neutral and slightly polar, at codon 827 of the POP1 protein (p.Arg827Trp). This variant is present in population databases (rs138030882, gnomAD 0.02%). This variant has not been reported in the literature in individuals affected with POP1-related conditions. Algorithms developed to predict the effect of missense changes on protein structure and function output the following: SIFT: "Tolerated"; PolyPhen-2: "Benign"; Align-GVGD: "Class C0". The tryptophan amino acid residue is found in multiple mammalian species, which suggests that this missense change does not adversely affect protein function. In summary, the available evidence is currently insufficient to determine the role of this variant in disease. Therefore, it has been classified as a Variant of Uncertain Significance.